The following is an entry in ClinVar:

NM_001365951.3(KIF1B):c.5273del (p.Gln1758fs)

Gene: KIF1B (kinesin family member 1B; plus strand). Cytogenetic location: 1p36.22.
Variant type: Deletion.
Coding change: c.5273del on transcript NM_001365951.3 (MANE Select); coding-DNA position 5273, one base deleted (A; older notation c.5273delA).
Protein change: p.Gln1758fs; shifts the reading frame from glutamine 1758.
Molecular consequence: frameshift variant.
Genome position (GRCh38, 1-based): chr1:10,375,030, A deleted. VCF-style (leftmost placement, unchanged base first): chr1-10375029-CA-C. GRCh37 (hg19) VCF-style: chr1-10435087-CA-C.
Other names: c.5273del, p.Gln1758fs (NM_001365952.1); c.5135del, p.Gln1712fs (NM_015074.3); c.5135delA (NM_015074.3); short protein forms Q1712fs, Q1758fs.
Identifiers: ClinVar variation 1745570 (VCV001745570.2), dbSNP rs2521983721, ClinGen allele CA2580060465.

ClinVar aggregate classification (germline): Uncertain significance (1 of 4 stars; one submission).

Submission:

Ambry Genetics
Classification: Uncertain significance. Last evaluated: 2022-06-22. Review status: criteria provided, single submitter. Criteria: Ambry Variant Classification Scheme 2023. Collection method: clinical testing. Allele origin: germline.
Comment: The c.5135delA variant, located in coding exon 44 of the KIF1B gene, results from a deletion of one nucleotide at nucleotide position 5135, causing a translational frameshift with a predicted alternate stop codon (p.Q1712Rfs*5). This alteration is expected to result in premature protein truncation or nonsense-mediated mRNA decay. However, loss of function of KIF1B has not been clearly established as a mechanism of disease. Since supporting evidence is limited at this time, the clinical significance of this alteration remains unclear.